The following is an entry in ClinVar:

NM_001006630.2(CHRM2):c.95C>T (p.Ser32Phe)

Genes: CHRM2 (cholinergic receptor muscarinic 2; plus strand), LOC349160 (uncharacterized LOC349160; minus strand). Cytogenetic location: 7q33.
Variant type: single nucleotide variant.
Coding change: c.95C>T on transcript NM_001006630.2 (MANE Select); coding-DNA position 95, C replaced by T.
Protein change: p.Ser32Phe; replaces serine 32 with phenylalanine.
Molecular consequence: missense variant.
Genome position (GRCh38, 1-based): chr7:137,014,960, C>T. VCF-style: chr7-137014960-C-T. GRCh37 (hg19) VCF-style: chr7-136699707-C-T.
Other names: c.95C>T, p.Ser32Phe (NM_001006629.3, NM_001006631.3, NM_001006632.3 and 6 more transcripts); short protein forms S32F.
Identifiers: ClinVar variation 3649428 (VCV003649428.2).
Genomic context (GRCh38, chr7:137,014,960, plus strand): 5'-TGGCTCTTACAAGTCCTTATAAGACATTTGAAGTGGTGTTTATTGTCCTGGTGGCTGGAT[C>T]CCTCAGTTTGGTGACCATTATCGGGAACATCCTAGTCATGGTTTCCATTAAAGTCAACCG-3'
Protein context (NP_001006631.1, residues 22-42): EVVFIVLVAG[Ser32Phe]LSLVTIIGNI

ClinVar aggregate classification (germline): Uncertain significance (1 of 4 stars; one submission).

Submission:

Labcorp Genetics (formerly Invitae), Labcorp
Classification: Uncertain significance. Last evaluated: 2024-04-10. Review status: criteria provided, single submitter. Criteria: Invitae Variant Classification Sherloc (09022015). Collection method: clinical testing. Allele origin: germline.
Comment: This sequence change replaces serine, which is neutral and polar, with phenylalanine, which is neutral and non-polar, at codon 32 of the CHRM2 protein (p.Ser32Phe). This variant is not present in population databases (gnomAD no frequency). This variant has not been reported in the literature in individuals affected with CHRM2-related conditions. An algorithm developed to predict the effect of missense changes on protein structure and function (PolyPhen-2) suggests that this variant is likely to be disruptive. In summary, the available evidence is currently insufficient to determine the role of this variant in disease. Therefore, it has been classified as a Variant of Uncertain Significance.